The following is an entry in ClinVar:

NM_000092.5(COL4A4):c.4727T>C (p.Val1576Ala)

Gene: COL4A4 (collagen type IV alpha 4 chain; minus strand). Cytogenetic location: 2q36.3.
Variant type: single nucleotide variant.
Coding change: c.4727T>C on transcript NM_000092.5 (MANE Select); coding-DNA position 4727, T replaced by C.
Protein change: p.Val1576Ala; replaces valine 1576 with alanine.
Molecular consequence: missense variant.
Genome position (GRCh38, 1-based): chr2:227,008,100, A>G on the plus strand (T>C on the coding strand, the complement: COL4A4 is on the minus strand). VCF-style: chr2-227008100-A-G. GRCh37 (hg19) VCF-style: chr2-227872816-A-G.
Other names: short protein forms V1576A.
Identifiers: ClinVar variation 3068332 (VCV003068332.1), dbSNP rs936251750, ClinGen allele CA67238295.

ClinVar aggregate classification (germline): Uncertain significance (1 of 4 stars; one submission).

Conditions:
Autosomal recessive Alport syndrome (ATS2). Also called: ALPORT SYNDROME 2, AUTOSOMAL RECESSIVE; COL4A4 Alport Syndrome and Thin Basement Membrane Nephropathy; COL4A3-Related Nephropathy; Alport syndrome type 2. Identifiers: Orphanet 63, Orphanet 88919, MedGen C4746745, MONDO:0008762, OMIM 203780.

Allele frequency attached by ClinVar (database versions not stated): gnomAD exomes below 0.00001.
gnomAD v4.1: 2 of 1,614,074 alleles (0.00012%); highest among the groups gnomAD compares: Non-Finnish European, 0.00017%; no homozygotes.

Submission:

MVZ Medizinische Genetik Mainz
Classification: Uncertain significance for Autosomal recessive Alport syndrome. Last evaluated: 2023-09-05. Review status: criteria provided, single submitter. Criteria: UK Practice Guidelines For Variant Classification V4 01 2020. Collection method: clinical testing. Allele origin: germline. Inheritance: Autosomal dominant inheritance. Affected: yes. Observed: 1 variant allele.
Comment: ACMG Criteria: PM2_SUP,PP3,PP4